The following is an entry in ClinVar:

NM_015107.3(PHF8):c.2393G>A (p.Ser798Asn)

Gene: PHF8 (PHD finger protein 8; minus strand). Cytogenetic location: Xp11.22.
Variant type: single nucleotide variant.
Coding change: c.2393G>A on transcript NM_015107.3 (MANE Select); coding-DNA position 2393, G replaced by A.
Protein change: p.Ser798Asn; replaces serine 798 with asparagine.
Molecular consequence: missense variant.
Genome position (GRCh38, 1-based): chrX:53,984,964, C>T on the plus strand (G>A on the coding strand, the complement: PHF8 is on the minus strand). VCF-style: chrX-53984964-C-T. GRCh37 (hg19) VCF-style: chrX-54011397-C-T.
Other names: c.2501G>A, p.Ser834Asn (NM_001184896.1, NM_001441097.1); c.2090G>A, p.Ser697Asn (NM_001184897.2); c.2342G>A, p.Ser781Asn (NM_001184898.2); c.2198G>A, p.Ser733Asn (NM_001441096.1, NM_001441098.1); short protein forms S697N, S733N, S781N, S798N, S834N.
Identifiers: ClinVar variation 4822731 (VCV004822731.4).
Genomic context (GRCh38, chrX:53,984,964, plus strand): 5'-CTGCCCTTACTATACTCTGCATCCTTGAAGCACGCTCCCAAGCTGTCCTGTTCATCCAGA[C>T]TGGCGTTCTCCTCCTCCTCCTCGCTCTCGGTTCTCCAGTATGCTGGCCGCTTGATGGGCC-3'
Protein context (NP_055922.1, residues 788-808): TESEEEEENA[Ser798Asn]LDEQDSLGAC

ClinVar aggregate classification (germline): Uncertain significance (1 of 4 stars; one submission).

Submission:

CeGaT Center for Human Genetics Tuebingen
Classification: Uncertain significance. Last evaluated: 2026-03-01. Review status: criteria provided, single submitter. Criteria: CeGaT Center For Human Genetics Tuebingen Variant Classification Criteria Version 2. Collection method: clinical testing. Allele origin: germline. Affected: yes. Observed: 1 variant allele.
Comment: PHF8: PM2, PP2